The following is an entry in ClinVar:

ClinVar aggregate classification (germline): Likely pathogenic. Review status: reviewed by expert panel (3 of 4 stars). 9 submissions from 9 submitters: Likely pathogenic (1). 8 of the submissions do not count toward it. Last evaluated 2023-01-18.

Conditions:
MYO7A-related disorder. Also called: MYO7A-related disorders.
Autosomal recessive nonsyndromic hearing loss 2. Also called: DEAFNESS, AUTOSOMAL RECESSIVE 2; NEUROSENSORY NONSYNDROMIC RECESSIVE DEAFNESS 2. Identifiers: Orphanet 90636, MedGen C1838701, MONDO:0010807, OMIM 600060.
Usher syndrome type 1 (USH1). Also called: RETINITIS PIGMENTOSA AND CONGENITAL DEAFNESS. Identifiers: Orphanet 231169, Orphanet 886, MedGen C1568247, MONDO:0010168, OMIM 276900.
Rare genetic deafness. Identifiers: Orphanet 96210, MedGen C5680250.
Usher syndrome type 1B (USH1B). Also called: Usher syndrome type IB. Identifiers: MedGen C1848638, MONDO:0700087.

Allele frequency attached by ClinVar (database versions not stated): gnomAD exomes below 0.00001.
gnomAD v4.1: 2 of 1,579,118 alleles (0.00013%); highest among the groups gnomAD compares: South Asian, 0.0012%; no homozygotes.

Submissions (9):

ClinGen Hearing Loss Variant Curation Expert Panel
Classification: Likely pathogenic for Usher syndrome type 1. Last evaluated: 2023-01-18. Review status: reviewed by expert panel. Criteria: Clingen Hl Acmg Specifications Cdh23 Coch Gjb2 Kcnq4 Myo6 Myo7a Slc26a4 Tecta Ush2a V2. Collection method: curation. Allele origin: germline. Inheritance: Autosomal recessive inheritance.
Comment: The c.6062A>G (NM_000260.4(MYO7A):c.6062A>G (p.Lys2021Arg)) variant in MYO7A is a missense variant predicted to cause substitution of lysine by arginine at amino acid 2021. This variant is absent from gnomAD v2.1.1 (PM2_Supporting). The computational predictor REVEL gives a score of 0.748, which is above the threshold of 0.7, evidence that correlates with impact to MYO7A function (PP3). This variant has been detected in at least 4 individuals with Usher Syndrome type 1 (from three families). For one of those individuals, they were compound heterozygous for the variant and a pathogenic/likely pathogenic variant (phase unknown) ((NM_000260.4(MYO7A):c.722G>A (p.Arg241His); 0.5 PM3 points; 21436283). Allan, 2014; 1). Due to consanguinity, 2 individuals from the same family were homozygous for the variant (0.25 PM3 points; Allam, 2014; 1) (PM3). At least one patient with this disease displayed sensorineural hearing loss and retinitis pigmentosa, which is highly specific for Usher Syndrome 1 (PMID: 21436283; PP4). This variant was re-reviewed on 1.18.2023 and because no additional evidence is available, professional judgment was used to retain this variant as likely pathogenic for autosomal recessive Usher Syndrome based on the ACMG/AMP criteria applied, as specified by the ClinGen Hearing Loss VCEP (PM2_supporting, PP3, PM3, PP4; Version 2; 2022). 1.

PreventionGenetics, part of Exact Sciences
Classification: Likely pathogenic for MYO7A-related condition. Last evaluated: 2026-05-04. Review status: criteria provided, single submitter. Criteria: ACMG Guidelines, 2015. Collection method: clinical testing. Allele origin: germline. Not counted in ClinVar's aggregate classification.
Comment: The MYO7A c.6062A>G variant is predicted to result in the amino acid substitution p.Lys2021Arg. This variant has been reported along with a second MYO7A missense variant in an individual with Usher syndrome (Roux et al. 2011. PubMed ID: 21436283). This variant has also been reported in the homozygous state in three individuals from a consanguineous family with Usher syndrome (Allam. 2014.). An alternate substitution of this same amino acid residue (p.Lys2021Thr) has also been reported along with a second MYO7A variant in an individual with hearing loss (Zou et al. 2020. PubMed ID: 31486067). This variant is absent in a large population database (gnomAD), indicating this variant is rare. This variant has been classified as likely pathogenic by the ClinGen Hearing Loss Variant Curation Expert Panel in ClinVar (Variation ID: 228282). Given the evidence, we interpret this variant as likely pathogenic.

Natera, Inc.
Classification: Likely pathogenic for Usher syndrome type 1B. Last evaluated: 2025-08-18. Review status: criteria provided, single submitter. Criteria: Natera Variant Classification Schema (03/2026). Collection method: clinical testing. Allele origin: germline. Not counted in ClinVar's aggregate classification.
Comment: The c.6062A>G variant in MYO7A is a missense variant predicted to cause substitution of lysine to arginine at amino acid 2021. This variant is rare in the general population with a frequency below the threshold expected for the associated phenotype(s). This variant has been observed in one or more individuals affected with the associated recessive disease, as either homozygous or compound heterozygous with a second variant (PMID: 21436283). Functional studies show that this variant may disrupt protein function (PMID: 28439001). Computational prediction algorithms indicate this variant is likely to affect gene or protein function. Given the available evidence, this variant is classified as Likely Pathogenic.

Labcorp Genetics (formerly Invitae), Labcorp
Classification: Uncertain significance. Last evaluated: 2025-05-04. Review status: criteria provided, single submitter. Criteria: Invitae Variant Classification Sherloc (09022015). Collection method: clinical testing. Allele origin: germline. Not counted in ClinVar's aggregate classification.
Comment: This sequence change replaces lysine, which is basic and polar, with arginine, which is basic and polar, at codon 2021 of the MYO7A protein (p.Lys2021Arg). This variant is not present in population databases (gnomAD no frequency). This missense change has been observed in individual(s) with Usher syndrome I (PMID: 21436283). In at least one individual the data is consistent with being in trans (on the opposite chromosome) from a pathogenic variant. ClinVar contains an entry for this variant (Variation ID: 228282). Invitae Evidence Modeling of protein sequence and biophysical properties (such as structural, functional, and spatial information, amino acid conservation, physicochemical variation, residue mobility, and thermodynamic stability) indicates that this missense variant is not expected to disrupt MYO7A protein function with a negative predictive value of 95%. This variant disrupts the p.Lys2021 amino acid residue in MYO7A. Other variant(s) that disrupt this residue have been observed in individuals with MYO7A-related conditions (PMID: 31486067), which suggests that this may be a clinically significant amino acid residue. In summary, the available evidence is currently insufficient to determine the role of this variant in disease. Therefore, it has been classified as a Variant of Uncertain Significance.

Genomic Medicine Center of Excellence, King Faisal Specialist Hospital and Research Centre
Classification: Likely pathogenic for Usher syndrome type 1. Last evaluated: 2024-03-17. Review status: criteria provided, single submitter. Criteria: ACMG Guidelines, 2015. Collection method: research. Allele origin: germline. Not counted in ClinVar's aggregate classification.

GeneDx
Classification: Uncertain significance. Last evaluated: 2022-08-09. Review status: criteria provided, single submitter. Criteria: GeneDx Variant Classification Process June 2021. Collection method: clinical testing. Allele origin: germline. Affected: yes. Not counted in ClinVar's aggregate classification.
Comment: Not observed at significant frequency in large population cohorts (gnomAD); In silico analysis supports that this missense variant has a deleterious effect on protein structure/function; This variant is associated with the following publications: (PMID: 21436283)

Genome-Nilou Lab
Classification: Likely pathogenic for Usher syndrome type 1. Last evaluated: 2021-05-18. Review status: criteria provided, single submitter. Criteria: ACMG Guidelines, 2015. Collection method: clinical testing. Allele origin: germline. Affected: no. Not counted in ClinVar's aggregate classification.

Laboratory for Molecular Medicine, Mass General Brigham Personalized Medicine
Classification: Likely pathogenic for Rare genetic deafness. Last evaluated: 2015-11-05. Review status: criteria provided, single submitter. Criteria: LMM Criteria. Collection method: clinical testing. Allele origin: germline. Inheritance: Autosomal recessive inheritance. Observed: 1 variant allele. Not counted in ClinVar's aggregate classification.
Comment: The p.Lys2021Arg variant in MYO7A has been reported in one individual with type I Usher syndrome who was compound heterozygous for a second likely pathogenic va riant in MYO7A (Roux 2011). This variant was absent from large population studie s. Computational prediction tools and conservation analyses suggest that the p.L ys2021Arg variant may impact the protein. In summary, although additional studie s are required to fully establish its clinical significance, this variant is lik ely pathogenic based on the previous report in an individual with Usher syndrome .

Counsyl
Classification: Uncertain significance for Usher syndrome type 1; Autosomal recessive nonsyndromic hearing loss 2. Last evaluated: 2018-05-18. Review status: no assertion criteria provided. Collection method: clinical testing. Allele origin: unknown. Not counted in ClinVar's aggregate classification.

Literature cited by the submitters: PubMed 21436283 (cited by 4 submitters); PubMed 28439001 (cited by Natera, Inc.); PubMed 31486067 (cited by Labcorp Genetics (formerly Invitae), Labcorp).

NM_000260.4(MYO7A):c.6062A>G (p.Lys2021Arg)

Gene: MYO7A (myosin VIIA; plus strand). Cytogenetic location: 11q13.5.
Variant type: single nucleotide variant.
Coding change: c.6062A>G on transcript NM_000260.4 (MANE Select); coding-DNA position 6062, A replaced by G.
Protein change: p.Lys2021Arg; replaces lysine 2021 with arginine.
Molecular consequence: missense variant.
Genome position (GRCh38, 1-based): chr11:77,211,162, A>G. VCF-style: chr11-77211162-A-G. GRCh37 (hg19) VCF-style: chr11-76922207-A-G.
Other names: c.5948A>G, p.Lys1983Arg (NM_001127180.2); c.5915A>G, p.Lys1972Arg (NM_001369365.1); short protein forms K2021R, K1972R, K1983R.
Identifiers: ClinVar variation 228282 (VCV000228282.55), dbSNP rs876657655, ClinGen allele CA10576905.